The following is an entry in ClinVar:

NM_001429.4(EP300):c.835_836del (p.Val279fs)

Gene: EP300 (EP300 lysine acetyltransferase; plus strand). Cytogenetic location: 22q13.2.
Variant type: Deletion.
Coding change: c.835_836del on transcript NM_001429.4 (MANE Select); coding-DNA positions 835 to 836, 2 bases deleted (GT; older notation c.835_836delGT).
Protein change: p.Val279fs; shifts the reading frame from valine 279.
Molecular consequence: frameshift variant.
Genome position (GRCh38, 1-based): chr22:41,125,969-41,125,970, GT deleted; deleting any 2 consecutive bases within chr22:41,125,968-41,125,970 gives the same sequence; the c. name uses the placement nearest the transcript's 3' end. VCF-style (leftmost placement, unchanged base first): chr22-41125967-CTG-C. GRCh37 (hg19) VCF-style: chr22-41521971-CTG-C.
Other names: c.835_836delGT (NM_001429.4); c.835_836del, p.Val279fs (NM_001362843.2); short protein forms V279fs.
Identifiers: ClinVar variation 4537464 (VCV004537464.1).

ClinVar aggregate classification (germline): Pathogenic (1 of 4 stars; one submission).

Conditions:
Rubinstein-Taybi syndrome due to EP300 haploinsufficiency. Also called: EP300-Related Rubinstein-Taybi Syndrome; RUBINSTEIN-TAYBI SYNDROME 2. Identifiers: Orphanet 353284, Orphanet 783, MedGen C3150941, MONDO:0013364, OMIM 613684.

Submission:

Pele Pequeno Principe Research Institute, Faculdades Pequeno Principe
Classification: Pathogenic for Rubinstein-Taybi syndrome due to EP300 haploinsufficiency. Review status: criteria provided, single submitter. Criteria: ACMG Guidelines, 2015. Collection method: research. Allele origin: germline. Inheritance: Autosomal dominant inheritance. Affected: yes. Observed: 1 heterozygote.
Comment: The EP300:c.835_836delGT variant corresponds to a deletion of two nucleotides (GT) at positions 835 and 836 of the EP300 cDNA. This deletion results in a frameshift that introduces a premature termination codon at amino acid position 279 (p.Val279fs), predicting nonsense-mediated mRNA decay (NMD) and/or production of a truncated protein. Loss of function represents a well-established pathogenic mechanism for EP300. According to the Genome Aggregation Database (gnomAD), this variant is absent from population datasets. Taken together with the molecular evidence, these findings support a diagnosis of Rubinstein–Taybi syndrome. Relevant literature discussing the phenotypic spectrum associated with EP300 variants includes PMIDs: 37085840, 40672389, and 27964710

Literature cited by the submitters: PubMed 37085840; PubMed 40672389; PubMed 27964710.